The following is an entry in ClinVar:

NM_000051.4(ATM):c.7822A>G (p.Thr2608Ala)

Genes: ATM (ATM serine/threonine kinase; plus strand), C11orf65 (chromosome 11 open reading frame 65; minus strand). Cytogenetic location: 11q22.3.
Variant type: single nucleotide variant.
Coding change: c.7822A>G on transcript NM_000051.4 (MANE Select); coding-DNA position 7822, A replaced by G.
Protein change: p.Thr2608Ala; replaces threonine 2608 with alanine.
Molecular consequence: missense variant. On other transcripts: intron variant (2).
Genome position (GRCh38, 1-based): chr11:108,332,795, A>G. VCF-style: chr11-108332795-A-G. GRCh37 (hg19) VCF-style: chr11-108203522-A-G.
Other names: c.7822A>G, p.Thr2608Ala (NM_001351834.2); c.641-23724T>C (NM_001330368.2); c.*38+2425T>C (NM_001351110.2); short protein forms T2608A.
Identifiers: ClinVar variation 939539 (VCV000939539.11), dbSNP rs2086408912, ClinGen allele CA382561309.

ClinVar aggregate classification (germline): Uncertain significance. Review status: criteria provided, multiple submitters, no conflicts (2 of 4 stars). 2 submissions from 2 submitters: Uncertain significance (2). Last evaluated 2024-03-10.

Conditions:
Hereditary cancer-predisposing syndrome. Also called: Tumor predisposition; Neoplastic Syndromes, Hereditary; Hereditary neoplastic syndrome; Hereditary Cancer Syndrome. Identifiers: Orphanet 140162, MedGen C0027672, MeSH D009386, MONDO:0015356.
Ataxia-telangiectasia syndrome (AT). Also called: Ataxia-telangiectasia, complementation group D; AT, COMPLEMENTATION GROUP C; ATAXIA-TELANGIECTASIA, COMPLEMENTATION GROUP A; ATAXIA-TELANGIECTASIA, FRESNO VARIANT; Ataxia-telangiectasia; Ataxia telangiectasia (A-T). Identifiers: Orphanet 100, MedGen C0004135, MONDO:0008840, OMIM 208900.

Submissions (2):

Ambry Genetics
Classification: Uncertain significance for Hereditary cancer-predisposing syndrome. Last evaluated: 2024-03-10. Review status: criteria provided, single submitter. Criteria: Ambry Variant Classification Scheme 2023. Collection method: clinical testing. Allele origin: germline.
Comment: The p.T2608A variant (also known as c.7822A>G), located in coding exon 52 of the ATM gene, results from an A to G substitution at nucleotide position 7822. The threonine at codon 2608 is replaced by alanine, an amino acid with similar properties. This amino acid position is conserved. In addition, this alteration is predicted to be tolerated by in silico analysis. Based on the available evidence, the clinical significance of this alteration remains unclear.

Labcorp Genetics (formerly Invitae), Labcorp
Classification: Uncertain significance for Ataxia-telangiectasia syndrome. Last evaluated: 2019-07-03. Review status: criteria provided, single submitter. Criteria: Invitae Variant Classification Sherloc (09022015). Collection method: clinical testing. Allele origin: germline.
Comment: This sequence change replaces threonine with alanine at codon 2608 of the ATM protein (p.Thr2608Ala). The threonine residue is weakly conserved and there is a small physicochemical difference between threonine and alanine. This variant is not present in population databases (ExAC no frequency). This variant has not been reported in the literature in individuals with ATM-related conditions. Algorithms developed to predict the effect of missense changes on protein structure and function output the following: SIFT: "Tolerated"; PolyPhen-2: "Benign"; Align-GVGD: "Class C0". The alanine amino acid residue is found in multiple mammalian species, suggesting that this missense change does not adversely affect protein function. These predictions have not been confirmed by published functional studies and their clinical significance is uncertain. In summary, the available evidence is currently insufficient to determine the role of this variant in disease. Therefore, it has been classified as a Variant of Uncertain Significance.